The following is an entry in ClinVar:

NM_001009944.3(PKD1):c.1777G>T (p.Glu593Ter)

Gene: PKD1 (polycystin 1, transient receptor potential channel interacting; minus strand). Cytogenetic location: 16p13.3.
Variant type: single nucleotide variant.
Coding change: c.1777G>T on transcript NM_001009944.3 (MANE Select); coding-DNA position 1777, G replaced by T.
Protein change: p.Glu593Ter; replaces glutamic acid 593 with a stop codon.
Molecular consequence: nonsense.
Genome position (GRCh38, 1-based): chr16:2,116,064, C>A on the plus strand (G>T on the coding strand, the complement: PKD1 is on the minus strand). VCF-style: chr16-2116064-C-A. GRCh37 (hg19) VCF-style: chr16-2166065-C-A.
Other names: c.1777G>T, p.Glu593Ter (NM_000296.4); short protein forms E593*.
Identifiers: ClinVar variation 4293968 (VCV004293968.1).

ClinVar aggregate classification (germline): Pathogenic (1 of 4 stars; one submission).

Conditions:
Polycystic kidney disease, adult type (PKD1). Also called: POLYCYSTIC KIDNEY DISEASE 1 WITH OR WITHOUT POLYCYSTIC LIVER DISEASE; POLYCYSTIC KIDNEY DISEASE, ADULT, TYPE I; Polycystic Kidney, Autosomal Dominant; Polycystic Kidney Disease 1, Autosomal Dominant; Polycystic kidney disease 1; Polycystic kidney disease 1, severe. Identifiers: MedGen C3149841, MONDO:0008263, OMIM 173900.

Submission:

3billion
Classification: Pathogenic for Polycystic kidney disease, adult type. Last evaluated: 2024-11-08. Review status: criteria provided, single submitter. Criteria: ACMG Guidelines, 2015. Collection method: clinical testing. Allele origin: germline. Affected: yes.
Comment: The variant is observed at an extremely low frequency in the gnomAD v4.1.0 dataset (total allele frequency: <0.001%). Predicted Consequence/Location: Stop-gained (nonsense): predicted to result in a loss or disruption of normal protein function through nonsense-mediated decay (NMD) or protein truncation. Multiple pathogenic variants are reported downstream of the variant. The variant has been reported to be associated with PKD1 related disorder (PMID: 30989420). Therefore, this variant is classified as Pathogenic according to the recommendation of ACMG/AMP guideline.

Literature cited by the submitters: PubMed 30989420.